The following is an entry in ClinVar:

NM_139321.3(ATRN):c.411A>T (p.Arg137Ser)

Gene: ATRN (attractin; plus strand). Cytogenetic location: 20p13.
Variant type: single nucleotide variant.
Coding change: c.411A>T on transcript NM_139321.3 (MANE Select); coding-DNA position 411, A replaced by T.
Protein change: p.Arg137Ser; replaces arginine 137 with serine.
Molecular consequence: missense variant.
Genome position (GRCh38, 1-based): chr20:3,535,253, A>T. VCF-style: chr20-3535253-A-T. GRCh37 (hg19) VCF-style: chr20-3515900-A-T.
Other names: c.63A>T, p.Arg21Ser (NM_001207047.3); c.411A>T, p.Arg137Ser (NM_001323332.2, NM_139322.4); short protein forms R137S, R21S.
Identifiers: ClinVar variation 3703651 (VCV003703651.2).
Genomic context (GRCh38, chr20:3,535,253, plus strand): 5'-ATAAAAATATATGAAATTAATATAGCAGACTTAAGTTTTCTTTCTTGATTTAAATTACAG[A>T]CTAACTGGATCTTCTGGGTTTGTGACAGATGGACCTGGAAATTATAAATACAAAACGAAG-3'
Protein context (NP_647537.1, residues 127-147): EQCQHCGGRF[Arg137Ser]LTGSSGFVTD

ClinVar aggregate classification (germline): Uncertain significance (1 of 4 stars; one submission).

gnomAD v4.1: 28 of 1,478,834 alleles (0.0019%); highest among the groups gnomAD compares: Non-Finnish European, 0.0025%; no homozygotes.

Submission:

Labcorp Genetics (formerly Invitae), Labcorp
Classification: Uncertain significance. Last evaluated: 2024-04-04. Review status: criteria provided, single submitter. Criteria: Invitae Variant Classification Sherloc (09022015). Collection method: clinical testing. Allele origin: germline.
Comment: This sequence change replaces arginine, which is basic and polar, with serine, which is neutral and polar, at codon 137 of the ATRN protein (p.Arg137Ser). This variant is present in population databases (rs760838177, gnomAD 0.001%). This variant has not been reported in the literature in individuals affected with ATRN-related conditions. An algorithm developed to predict the effect of missense changes on protein structure and function (PolyPhen-2) suggests that this variant is likely to be tolerated. Algorithms developed to predict the effect of sequence changes on RNA splicing suggest that this variant may create or strengthen a splice site. In summary, the available evidence is currently insufficient to determine the role of this variant in disease. Therefore, it has been classified as a Variant of Uncertain Significance.